The following is an entry in ClinVar:

ClinVar aggregate classification (germline): Conflicting classifications of pathogenicity. Review status: criteria provided, conflicting classifications (1 of 4 stars). 3 submissions from 3 submitters: Uncertain significance (1); Likely benign (2). Last evaluated 2026-01-31.

Conditions:
Hereditary cancer-predisposing syndrome. Also called: Hereditary neoplastic syndrome; Neoplastic Syndromes, Hereditary; Tumor predisposition; Hereditary Cancer Syndrome. Identifiers: Orphanet 140162, MedGen C0027672, MeSH D009386, MONDO:0015356.
Neuroblastoma, susceptibility to, 3. Also called: ALK-Related Neuroblastic Tumor Susceptibility. Identifiers: Orphanet 635, MedGen C2751681, MONDO:0013083, OMIM 613014.

Allele frequency attached by ClinVar (database versions not stated): gnomAD 0.00001; TOPMed 0.00002.
gnomAD v4.1: 2 of 1,613,654 alleles (0.00012%); highest among the groups gnomAD compares: Non-Finnish European, 0.00017%; no homozygotes.

Submissions (3):

Labcorp Genetics (formerly Invitae), Labcorp
Classification: Likely benign for Neuroblastoma, susceptibility to, 3. Last evaluated: 2026-01-31. Review status: criteria provided, single submitter. Criteria: Invitae Variant Classification Sherloc (09022015). Collection method: clinical testing. Allele origin: germline.

Sema4
Classification: Uncertain significance for Hereditary cancer-predisposing syndrome. Last evaluated: 2021-06-13. Review status: criteria provided, single submitter. Criteria: Sema4 Curation Guidelines. Collection method: curation. Allele origin: germline.
Comment: The ALK c.3366G>A (p.Leu1122=) variant has not been reported in the literature to our knowledge. It was observed in 1/113270 chromosomes of the Non-Finnish European subpopulation in the large and broad cohorts of the Genome Aggregation Database (PMID: 32461654). This variant has been reported in ClinVar (Variation ID:485081). The nucleotide is highly conserved. In silico tools suggest there is no major impact of the variant on splicing, though these predictions have not been confirmed by functional studies. The evidence is insufficient to meet ACMG/AMP criteria for classifying the variant as benign or pathogenic. Thus, the clinical significance of this variant is currently uncertain.

Ambry Genetics
Classification: Likely benign for Hereditary cancer-predisposing syndrome. Last evaluated: 2017-03-17. Review status: criteria provided, single submitter. Criteria: Ambry Variant Classification Scheme 2023. Collection method: clinical testing. Allele origin: germline.

NM_004304.5(ALK):c.3366G>A (p.Leu1122=)

Gene: ALK (ALK receptor tyrosine kinase; minus strand). Cytogenetic location: 2p23.2.
Variant type: single nucleotide variant.
Coding change: c.3366G>A on transcript NM_004304.5 (MANE Select); coding-DNA position 3366, G replaced by A.
Protein change: p.Leu1122=; no amino-acid change (leucine 1122 retained).
Molecular consequence: synonymous variant.
Genome position (GRCh38, 1-based): chr2:29,222,601, C>T on the plus strand (G>A on the coding strand, the complement: ALK is on the minus strand). VCF-style: chr2-29222601-C-T. GRCh37 (hg19) VCF-style: chr2-29445467-C-T.
Other names: c.162G>A, p.Leu54= (NM_001353765.2).
Identifiers: ClinVar variation 485081 (VCV000485081.17), dbSNP rs758871506, ClinGen allele CA1593971.